The following is an entry in ClinVar:

ClinVar aggregate classification (germline): Conflicting classifications of pathogenicity. Review status: criteria provided, conflicting classifications (1 of 4 stars). 3 submissions from 3 submitters: Uncertain significance (2); Likely benign (1). Last evaluated 2026-01-12.

Conditions:
DNMT1-related disorder. Also called: DNMT1-related condition. Identifiers: MedGen CN381527.
Hereditary sensory neuropathy-deafness-dementia syndrome. Also called: NEUROPATHY, HEREDITARY SENSORY, WITH HEARING LOSS AND DEMENTIA; Hereditary sensory neuropathy type IE; HSN IE; Hereditary Sensory and Autonomic Neuropathy Type 1E (HSAN1E). Identifiers: Orphanet 456318, MedGen C3279885, MONDO:0013584, OMIM 614116.

gnomAD v4.1: 13 of 1,614,018 alleles (0.00081%); highest among the groups gnomAD compares: African/African-American, 0.0053%; no homozygotes.

Submissions (3):

Dasa
Classification: Uncertain significance. Last evaluated: 2026-01-12. Review status: criteria provided, single submitter. Criteria: DASA Assertion Criteria. Collection method: clinical testing. Allele origin: germline.
Comment: NM_001130823.3(DNMT1):c.2623G>A (p.Asp875Asn) is a missense variant that results in the substitution of aspartic acid with asparagine. This variant is rare in population databases. The currently available literature and clinical evidence are not sufficient to establish a definitive association between this variant and the reported condition. Therefore, this variant is classified as a variant of uncertain significance.

Labcorp Genetics (formerly Invitae), Labcorp
Classification: Likely benign for Hereditary sensory neuropathy-deafness-dementia syndrome. Last evaluated: 2025-10-12. Review status: criteria provided, single submitter. Criteria: Invitae Variant Classification Sherloc (09022015). Collection method: clinical testing. Allele origin: germline.

PreventionGenetics, part of Exact Sciences
Classification: Uncertain significance for DNMT1-related condition. Last evaluated: 2025-05-22. Review status: criteria provided, single submitter. Criteria: ACMG Guidelines, 2015. Collection method: clinical testing. Allele origin: germline.
Comment: The DNMT1 c.2623G>A variant is predicted to result in the amino acid substitution p.Asp875Asn. To our knowledge, this variant has not been reported in the literature. This variant is reported in 0.012% of alleles in individuals of African descent in gnomAD. At this time, the clinical significance of this variant is uncertain due to the absence of conclusive functional and genetic evidence.

NM_001130823.3(DNMT1):c.2623G>A (p.Asp875Asn)

Gene: DNMT1 (DNA methyltransferase 1; minus strand). Cytogenetic location: 19p13.2.
Variant type: single nucleotide variant.
Coding change: c.2623G>A on transcript NM_001130823.3 (MANE Select); coding-DNA position 2623, G replaced by A.
Protein change: p.Asp875Asn; replaces aspartic acid 875 with asparagine.
Molecular consequence: missense variant.
Genome position (GRCh38, 1-based): chr19:10,148,981, C>T on the plus strand (G>A on the coding strand, the complement: DNMT1 is on the minus strand). VCF-style: chr19-10148981-C-T. GRCh37 (hg19) VCF-style: chr19-10259657-C-T.
Other names: c.2575G>A, p.Asp859Asn (NM_001318730.2, NM_001379.4); c.2260G>A, p.Asp754Asn (NM_001318731.2); c.2623G>A (NM_001130823.2); short protein forms D754N, D859N, D875N.
Identifiers: ClinVar variation 3607539 (VCV003607539.5).